The following is an entry in ClinVar:

NM_001754.5(RUNX1):c.322T>A (p.Cys108Ser)

Gene: RUNX1 (RUNX family transcription factor 1; minus strand). Cytogenetic location: 21q22.12.
Variant type: single nucleotide variant.
Coding change: c.322T>A on transcript NM_001754.5 (MANE Select); coding-DNA position 322, T replaced by A.
Protein change: p.Cys108Ser; replaces cysteine 108 with serine.
Molecular consequence: missense variant.
Genome position (GRCh38, 1-based): chr21:34,886,872, A>T on the plus strand (T>A on the coding strand, the complement: RUNX1 is on the minus strand). VCF-style: chr21-34886872-A-T. GRCh37 (hg19) VCF-style: chr21-36259169-A-T.
Other names: NM_001754.5(RUNX1):c.322T>A; p.Cys108Ser; c.241T>A, p.Cys81Ser (NM_001001890.3, NM_001122607.2); short protein forms C108S, C81S.
Identifiers: ClinVar variation 1012038 (VCV001012038.13), dbSNP rs2057997947, ClinGen allele CA410203468.

ClinVar aggregate classification (germline): Uncertain significance. Review status: reviewed by expert panel (3 of 4 stars). 4 submissions from 4 submitters: Uncertain significance (1). 3 of the submissions do not count toward it. Last evaluated 2025-03-26.

Conditions:
Inborn genetic diseases. Identifiers: MedGen C0950123, MeSH D030342.
Hereditary thrombocytopenia and hematologic cancer predisposition syndrome. Identifiers: Orphanet 71290, MedGen CN281654, MONDO:0011071.
Hereditary thrombocytopenia and hematological cancer predisposition syndrome associated with RUNX1. Also called: Familial thrombocytopenia with propensity to acute myelogenous leukemia; PLATELET DISORDER, ASPIRIN-LIKE; RUNX1 Familial Platelet Disorder with Associated Myeloid Malignancies; Familial Platelet Disorder with Propensity to Acute Myelogenous Leukemia. Identifiers: Orphanet 71290, MedGen C1832388, MeSH C563324, MONDO:0100083, OMIM 601399.

Allele frequency attached by ClinVar (database versions not stated): gnomAD 0.00001.
gnomAD v4.1: 1 of 1,613,466 alleles (0.000062%); highest among the groups gnomAD compares: African/African-American, 0.0013%; no homozygotes.

Submissions (4):

ClinGen Myeloid Malignancy Variant Curation Expert Panel
Classification: Uncertain significance for Hereditary thrombocytopenia and hematologic cancer predisposition syndrome. Last evaluated: 2025-03-26. Review status: reviewed by expert panel. Criteria: ClinGen MyeloMalig ACMG Specifications v2. Collection method: curation. Allele origin: germline. Inheritance: Autosomal dominant inheritance.
Comment: NM_001754.5(RUNX1):c.322T>A (p.Cys108Ser) is a missense variant which has a REVEL score ≥ 0.88 (0.913) (PP3). This missense variant is located within the Runt Homology Domain (AA 89–204), but does not occur in an established hotspot residue (PM1_supporting). In summary, the clinical significance of this variant is uncertain. ACMG/AMP criteria applied, as specified by the Myeloid Malignancy Variant Curation Expert Panel for RUNX1: PP3, PM1_supporting.

Ambry Genetics
Classification: Uncertain significance for Inborn genetic diseases. Last evaluated: 2025-04-10. Review status: criteria provided, single submitter. Criteria: Ambry Variant Classification Scheme 2023. Collection method: clinical testing. Allele origin: germline. Not counted in ClinVar's aggregate classification.
Comment: The p.C108S variant (also known as c.322T>A), located in coding exon 3 of the RUNX1 gene, results from a T to A substitution at nucleotide position 322. The cysteine at codon 108 is replaced by serine, an amino acid with dissimilar properties. This amino acid position is conserved. In addition, this alteration is predicted to be deleterious by in silico analysis. Based on the available evidence, the clinical significance of this variant remains unclear.

GeneDx
Classification: Uncertain significance. Last evaluated: 2020-11-10. Review status: criteria provided, single submitter. Criteria: GeneDx Variant Classification Process June 2021. Collection method: clinical testing. Allele origin: germline. Affected: yes. Not counted in ClinVar's aggregate classification.
Comment: Not observed in large population cohorts (Lek 2016); In silico analysis supports that this missense variant has a deleterious effect on protein structure/function; Has not been previously published as pathogenic or benign to our knowledge; This variant is associated with the following publications: (PMID: 27479822, 28277065)

Labcorp Genetics (formerly Invitae), Labcorp
Classification: Uncertain significance for Hereditary thrombocytopenia and hematological cancer predisposition syndrome associated with RUNX1. Last evaluated: 2020-09-05. Review status: criteria provided, single submitter. Criteria: Invitae Variant Classification Sherloc (09022015). Collection method: clinical testing. Allele origin: germline. Not counted in ClinVar's aggregate classification.
Comment: This sequence change replaces cysteine with serine at codon 108 of the RUNX1 protein (p.Cys108Ser). The cysteine residue is moderately conserved and there is a moderate physicochemical difference between cysteine and serine. In summary, the available evidence is currently insufficient to determine the role of this variant in disease. Therefore, it has been classified as a Variant of Uncertain Significance. Algorithms developed to predict the effect of sequence changes on RNA splicing suggest that this variant may create or strengthen a splice site, but this prediction has not been confirmed by published transcriptional studies. Algorithms developed to predict the effect of missense changes on protein structure and function are either unavailable or do not agree on the potential impact of this missense change (SIFT: "Tolerated"; PolyPhen-2: "Probably Damaging"; Align-GVGD: "Class C0"). This variant has not been reported in the literature in individuals with RUNX1-related conditions. This variant is not present in population databases (ExAC no frequency).